The following is an entry in ClinVar:

NM_000535.7(PMS2):c.706-4T>C

Gene: PMS2 (PMS1 homolog 2, mismatch repair system component; minus strand). Cytogenetic location: 7p22.1.
Variant type: single nucleotide variant.
Coding change: c.706-4T>C on transcript NM_000535.7 (MANE Select); 4 bases into the intron before coding-DNA position 706, T replaced by C.
Molecular consequence: intron variant.
Genome position (GRCh38, 1-based): chr7:5,997,427, A>G on the plus strand (T>C on the coding strand, the complement: PMS2 is on the minus strand). VCF-style: chr7-5997427-A-G. GRCh37 (hg19) VCF-style: chr7-6037058-A-G.
Other names: c.388-4T>C (NM_001322008.2, NM_001322007.2); c.301-4T>C (NM_001322010.2, NM_001322004.2, NM_001322003.2 and 2 more transcripts); c.133-4T>C (NM_001322013.2); c.-228-4T>C (NM_001322012.2, NM_001322011.2); c.397-4T>C (NM_001322015.2); c.706-4T>C (NM_001322006.2, NM_001322014.2).
Identifiers: ClinVar variation 230113 (VCV000230113.19), dbSNP rs769605987, ClinGen allele CA051246.
Genomic context (GRCh38, chr7:5,997,427, plus strand): 5'-CTCTTCACACACGGAGTCACTAGGGGGCAGCTGAACAAAAGGAATGAGGCTTTGCAACTG[A>G]AAAAAAAAAAAAAAAATTCACAGTTACTTCCTAATAAAGACAGAGTGGACTTAATCTGTT-3'

ClinVar aggregate classification (germline): Likely benign. Review status: criteria provided, multiple submitters, no conflicts (2 of 4 stars). 6 submissions from 6 submitters: Likely benign (6). Last evaluated 2026-01-12.

Conditions:
Hereditary nonpolyposis colorectal neoplasms. Identifiers: MedGen C0009405, MeSH D003123.
Hereditary cancer-predisposing syndrome. Also called: Hereditary neoplastic syndrome; Hereditary Cancer Syndrome; Neoplastic Syndromes, Hereditary; Tumor predisposition. Identifiers: Orphanet 140162, MedGen C0027672, MeSH D009386, MONDO:0015356.
Lynch syndrome 4 (LYNCH4). Also called: Colorectal cancer, hereditary nonpolyposis, type 4; Hereditary non-polyposis colorectal cancer, type 4. Identifiers: Orphanet 144, MedGen C1838333, MONDO:0013699, OMIM 614337. Disease mechanism: loss of function.
Mismatch repair cancer syndrome 1 (MMRCS1). Also called: BRAIN TUMOR-POLYPOSIS SYNDROME 1; BTP1 SYNDROME; CHILDHOOD CANCER SYNDROME; MISMATCH REPAIR DEFICIENCY; MMR DEFICIENCY. Identifiers: Orphanet 252202, MedGen C5399763, MONDO:0010159, OMIM 276300. Disease mechanism: loss of function.

Allele frequency attached by ClinVar (database versions not stated): gnomAD 0.00003; ExAC 0.00556.
gnomAD v4.1: 4 of 115,540 alleles (0.0035%); highest among the groups gnomAD compares: Non-Finnish European, 0.0049%; no homozygotes.

Submissions (6):

Labcorp Genetics (formerly Invitae), Labcorp
Classification: Likely benign for Hereditary nonpolyposis colorectal neoplasms. Last evaluated: 2026-01-12. Review status: criteria provided, single submitter. Criteria: Invitae Variant Classification Sherloc (09022015). Collection method: clinical testing. Allele origin: germline.

Myriad Genetics, Inc.
Classification: Likely benign for Lynch syndrome 4. Last evaluated: 2025-01-28. Review status: criteria provided, single submitter. Criteria: Myriad Autosomal Dominant, Autosomal Recessive and X-Linked Classification Criteria (2023). Collection method: clinical testing. Allele origin: unknown.
Comment: This variant is considered likely benign. This variant is intronic and is not expected to impact mRNA splicing.

Department of Pathology and Laboratory Medicine, Sinai Health System
Classification: Likely benign for mismatch repair cancer syndrome 1. Last evaluated: 2020-11-03. Review status: criteria provided, single submitter. Criteria: ACMG Guidelines, 2015. Collection method: clinical testing. Allele origin: germline. Affected: yes.

Color Diagnostics, LLC DBA Color Health
Classification: Likely benign for Hereditary cancer-predisposing syndrome. Last evaluated: 2020-01-28. Review status: criteria provided, single submitter. Criteria: ACMG Guidelines, 2015. Collection method: clinical testing. Allele origin: germline.

GeneDx
Classification: Likely benign. Last evaluated: 2019-06-25. Review status: criteria provided, single submitter. Criteria: GeneDx Variant Classification Process June 2021. Collection method: clinical testing. Allele origin: germline. Affected: yes.

Ambry Genetics
Classification: Likely benign for Hereditary cancer-predisposing syndrome. Last evaluated: 2019-04-08. Review status: criteria provided, single submitter. Criteria: Ambry Variant Classification Scheme 2023. Collection method: clinical testing. Allele origin: germline.